The following is an entry in ClinVar:

NM_000465.4(BARD1):c.1689_1703del (p.Gln564_Gly568del)

Gene: BARD1 (BRCA1 associated RING domain 1; minus strand). Cytogenetic location: 2q35.
Variant type: Deletion.
Coding change: c.1689_1703del on transcript NM_000465.4 (MANE Select); coding-DNA positions 1689 to 1703, 15 bases deleted (GCAGCGTAGGGATGG).
Protein change: p.Gln564_Gly568del.
Molecular consequence: inframe deletion. On other transcripts: non-coding transcript variant (3), intron variant (1).
Genome position (GRCh38, 1-based): chr2:214,745,829-214,745,843, CCATCCCTACGCTGC deleted on the plus strand (GCAGCGTAGGGATGG on the coding strand, the reverse complement: BARD1 is on the minus strand); deleting any 15 consecutive bases within chr2:214,745,829-214,745,846 gives the same sequence; the c. name uses the placement nearest the transcript's 3' end. VCF-style (leftmost placement, unchanged base first): chr2-214745828-TCCATCCCTACGCTGC-T. GRCh37 (hg19) VCF-style: chr2-215610552-TCCATCCCTACGCTGC-T.
Other names: c.279_293del, p.Gln94_Gly98del (NM_001282548.2); c.1632_1646del, p.Gln545_Gly549del (NM_001282543.2); c.336_350del, p.Gln113_Gly117del (NM_001282545.2); c.365-15335_365-15321del (NM_001282549.2).
Identifiers: ClinVar variation 1778067 (VCV001778067.3), dbSNP rs2469343415, ClinGen allele CA2580065623.

ClinVar aggregate classification (germline): Uncertain significance (1 of 4 stars; one submission).

Conditions:
Hereditary cancer-predisposing syndrome. Also called: Neoplastic Syndromes, Hereditary; Tumor predisposition; Hereditary Cancer Syndrome; Hereditary neoplastic syndrome. Identifiers: Orphanet 140162, MedGen C0027672, MeSH D009386, MONDO:0015356.

Submission:

Ambry Genetics
Classification: Uncertain significance for Hereditary cancer-predisposing syndrome. Last evaluated: 2023-06-29. Review status: criteria provided, single submitter. Criteria: Ambry Variant Classification Scheme 2023. Collection method: clinical testing. Allele origin: germline.
Comment: The c.1689_1703del15 variant (also known as p.Q564_G568del) is located in coding exon 8 of the BARD1 gene. This variant results from an in-frame deletion of 15 nucleotides at positions 1689 to 1703. This results in the in-frame deletion of five amino acids (QRRDG) at codons 564 to 568. This amino acid region is highly conserved through primates but not in all available vertebrate species. In addition, this alteration is predicted to be deleterious by in silico analysis (Choi Y et al. PLoS ONE. 2012; 7(10):e46688). Since supporting evidence is limited at this time, the clinical significance of this alteration remains unclear.